The following is an entry in ClinVar:

ClinVar aggregate classification (germline): Likely benign (0 of 4 stars; one submission).

Conditions:
UBA7-related disorder. Also called: UBA7-related condition.

Allele frequency attached by ClinVar (database versions not stated): gnomAD exomes 0.00036; ExAC 0.00110; 1000 Genomes Project 0.00260; 1000 Genomes Project 30x 0.00281; ESP Exome Variant Server 0.00308; gnomAD 0.00332; TOPMed 0.00379.
gnomAD v4.1: 1,067 of 1,614,118 alleles (0.066%); highest among the groups gnomAD compares: African/African-American, 1.1%; 8 homozygotes.

Submission:

PreventionGenetics, part of Exact Sciences
Classification: Likely benign for UBA7-related condition. Last evaluated: 2020-02-07. Review status: no assertion criteria provided. Collection method: clinical testing. Allele origin: germline.
Comment: This variant is classified as likely benign based on ACMG/AMP sequence variant interpretation guidelines (Richards et al. 2015 PMID: 25741868, with internal and published modifications).

NM_003335.3(UBA7):c.1241G>A (p.Arg414His)

Gene: UBA7 (ubiquitin like modifier activating enzyme 7; minus strand). Cytogenetic location: 3p21.31.
Variant type: single nucleotide variant.
Coding change: c.1241G>A on transcript NM_003335.3 (MANE Select); coding-DNA position 1241, G replaced by A.
Protein change: p.Arg414His; replaces arginine 414 with histidine.
Molecular consequence: missense variant.
Genome position (GRCh38, 1-based): chr3:49,810,822, C>T on the plus strand (G>A on the coding strand, the complement: UBA7 is on the minus strand). VCF-style: chr3-49810822-C-T. GRCh37 (hg19) VCF-style: chr3-49848255-C-T.
Other names: short protein forms R414H.
Identifiers: ClinVar variation 3038287 (VCV003038287.2), dbSNP rs2234380, ClinGen allele CA2407099.